The following is an entry in ClinVar:

NM_130384.3(ATRIP):c.2185G>A (p.Gly729Ser)

Genes: ATRIP (ATR interacting protein; plus strand), ATRIP-TREX1 (ATRIP-TREX1 readthrough; plus strand). Cytogenetic location: 3p21.31.
Variant type: single nucleotide variant.
Coding change: c.2185G>A on transcript NM_130384.3 (MANE Select); coding-DNA position 2185, G replaced by A.
Protein change: p.Gly729Ser; replaces glycine 729 with serine.
Molecular consequence: missense variant. On other transcripts: non-coding transcript variant (1).
Genome position (GRCh38, 1-based): chr3:48,464,960, G>A. VCF-style: chr3-48464960-G-A. GRCh37 (hg19) VCF-style: chr3-48506359-G-A.
Other names: c.1804G>A, p.Gly602Ser (NM_001271022.2); c.1906G>A, p.Gly636Ser (NM_001271023.2); c.2104G>A, p.Gly702Ser (NM_032166.4); short protein forms G602S, G636S, G702S, G729S.
Identifiers: ClinVar variation 3649654 (VCV003649654.1).

ClinVar aggregate classification (germline): Uncertain significance (1 of 4 stars; one submission).

Submission:

Labcorp Genetics (formerly Invitae), Labcorp
Classification: Uncertain significance. Last evaluated: 2024-05-19. Review status: criteria provided, single submitter. Criteria: Invitae Variant Classification Sherloc (09022015). Collection method: clinical testing. Allele origin: germline.
Comment: This sequence change replaces glycine, which is neutral and non-polar, with serine, which is neutral and polar, at codon 729 of the ATRIP protein (p.Gly729Ser). This variant is present in population databases (rs555210752, gnomAD 0.02%). This variant has not been reported in the literature in individuals affected with ATRIP-related conditions. Algorithms developed to predict the effect of missense changes on protein structure and function output the following: SIFT: "Not Available"; PolyPhen-2: "Benign"; Align-GVGD: "Not Available". The serine amino acid residue is found in multiple mammalian species, which suggests that this missense change does not adversely affect protein function. In summary, the available evidence is currently insufficient to determine the role of this variant in disease. Therefore, it has been classified as a Variant of Uncertain Significance.